The following is an entry in ClinVar:

NM_000384.3(APOB):c.10046C>T (p.Thr3349Ile)

Gene: APOB (apolipoprotein B; minus strand). Cytogenetic location: 2p24.1.
Variant type: single nucleotide variant.
Coding change: c.10046C>T on transcript NM_000384.3 (MANE Select); coding-DNA position 10046, C replaced by T.
Protein change: p.Thr3349Ile; replaces threonine 3349 with isoleucine.
Molecular consequence: missense variant.
Genome position (GRCh38, 1-based): chr2:21,006,822, G>A on the plus strand (C>T on the coding strand, the complement: APOB is on the minus strand). VCF-style: chr2-21006822-G-A. GRCh37 (hg19) VCF-style: chr2-21229694-G-A.
Other names: short protein forms T3349I.
Identifiers: ClinVar variation 4814251 (VCV004814251.1).

ClinVar aggregate classification (germline): Uncertain significance (1 of 4 stars; one submission).

Conditions:
Familial hypercholesterolemia. Also called: Familial hypercholesterolaemia. Identifiers: MedGen C0020445, MONDO:0005439.

Submission:

Genetics Laboratory, Great Ormond Street Hospital NHS Foundation Trust, North Thames Genomic Laboratory Hub
Classification: Uncertain significance for Familial hypercholesterolaemia. Last evaluated: 2026-01-28. Review status: criteria provided, single submitter. Criteria: ACGS Best Practice Guidelines for Variant Classification in Rare Disease 2024 v1.2. Collection method: clinical testing. Allele origin: germline. Affected: yes.
Comment: PM2_moderate, PM1_moderate